The following is an entry in ClinVar:

ClinVar aggregate classification (germline): Uncertain significance (1 of 4 stars; one submission).

Conditions:
Severe combined immunodeficiency due to LCK deficiency. Also called: Immunodeficiency 22. Identifiers: Orphanet 280142, MedGen C4014233, MONDO:0014334, OMIM 615758.

Allele frequency attached by ClinVar (database versions not stated): TOPMed below 0.00001; gnomAD 0.00001; gnomAD exomes 0.00004.
gnomAD v4.1: 43 of 1,571,034 alleles (0.0027%); highest among the groups gnomAD compares: South Asian, 0.045%; 1 homozygote.

Submission:

Labcorp Genetics (formerly Invitae), Labcorp
Classification: Uncertain significance for Severe combined immunodeficiency due to LCK deficiency. Last evaluated: 2021-08-22. Review status: criteria provided, single submitter. Criteria: Invitae Variant Classification Sherloc (09022015). Collection method: clinical testing. Allele origin: germline.
Comment: This sequence change replaces histidine with glutamine at codon 148 of the LCK protein (p.His148Gln). The histidine residue is highly conserved and there is a small physicochemical difference between histidine and glutamine. This variant is present in population databases (rs763681220, ExAC 0.01%). This variant has not been reported in the literature in individuals affected with LCK-related conditions. Algorithms developed to predict the effect of missense changes on protein structure and function (SIFT, PolyPhen-2, Align-GVGD) all suggest that this variant is likely to be tolerated. In summary, the available evidence is currently insufficient to determine the role of this variant in disease. Therefore, it has been classified as a Variant of Uncertain Significance.

NM_005356.5(LCK):c.444C>A (p.His148Gln)

Gene: LCK (LCK proto-oncogene, Src family tyrosine kinase; plus strand). Cytogenetic location: 1p35.2.
Variant type: single nucleotide variant.
Coding change: c.444C>A on transcript NM_005356.5 (MANE Select); coding-DNA position 444, C replaced by A.
Protein change: p.His148Gln; replaces histidine 148 with glutamine.
Molecular consequence: missense variant.
Genome position (GRCh38, 1-based): chr1:32,275,635, C>A. VCF-style: chr1-32275635-C-A. GRCh37 (hg19) VCF-style: chr1-32741236-C-A.
Other names: c.444C>A, p.His148Gln (NM_001042771.3, NM_001330468.2); short protein forms H148Q.
Identifiers: ClinVar variation 1428849 (VCV001428849.3), dbSNP rs763681220, ClinGen allele CA741110.
Genomic context (GRCh38, chr1:32,275,635, plus strand): 5'-CTTCAAGAACCTGAGCCGCAAGGACGCGGAGCGGCAGCTCCTGGCGCCCGGGAACACTCA[C>A]GGCTCCTTCCTCATCCGGGAGAGCGAGAGCACCGCGGGTGAGCGGGCGGCGGTCTCGACC-3'
Protein context (NP_005347.3, residues 138-158): ERQLLAPGNT[His148Gln]GSFLIRESES